The following is an entry in ClinVar:

NM_005121.3(MED13):c.5002C>T (p.Arg1668Ter)

Gene: MED13 (mediator complex subunit 13; minus strand). Cytogenetic location: 17q23.2.
Variant type: single nucleotide variant.
Coding change: c.5002C>T on transcript NM_005121.3 (MANE Select); coding-DNA position 5002, C replaced by T.
Protein change: p.Arg1668Ter; replaces arginine 1668 with a stop codon.
Molecular consequence: nonsense.
Genome position (GRCh38, 1-based): chr17:61,962,814, G>A on the plus strand (C>T on the coding strand, the complement: MED13 is on the minus strand). VCF-style: chr17-61962814-G-A. GRCh37 (hg19) VCF-style: chr17-60040175-G-A.
Other names: short protein forms R1668*.
Identifiers: ClinVar variation 2287183 (VCV002287183.4), dbSNP rs1256610157, ClinGen allele CA400493709.

ClinVar aggregate classification (germline): Pathogenic. Review status: criteria provided, multiple submitters, no conflicts (2 of 4 stars). 2 submissions from 2 submitters: Pathogenic (2). Last evaluated 2025-09-27.

Conditions:
Inborn genetic diseases. Identifiers: MedGen C0950123, MeSH D030342.

Submissions (2):

GeneDx
Classification: Pathogenic. Last evaluated: 2025-09-27. Review status: criteria provided, single submitter. Criteria: GeneDx Variant Classification Process June 2021. Collection method: clinical testing. Allele origin: germline.
Comment: Nonsense variant predicted to result in protein truncation or nonsense mediated decay in a gene for which loss of function is a known mechanism of disease; Not observed at significant frequency in large population cohorts (gnomAD); Has not been previously published as pathogenic or benign to our knowledge

Ambry Genetics
Classification: Pathogenic for Inborn genetic diseases. Last evaluated: 2022-06-15. Review status: criteria provided, single submitter. Criteria: Ambry Variant Classification Scheme 2023. Collection method: clinical testing. Allele origin: germline.
Comment: The c.5002C>T (p.R1668*) alteration, located in exon 21 (coding exon 21) of the MED13 gene, consists of a C to T substitution at nucleotide position 5002. This changes the amino acid from an arginine (R) to a stop codon at amino acid position 1668. This alteration is expected to result in loss of function by premature protein truncation or nonsense-mediated mRNA decay. This variant was not reported in population-based cohorts in the Genome Aggregation Database (gnomAD). Based on the available evidence, this alteration is classified as pathogenic.